The following is an entry in ClinVar:

ClinVar aggregate classification (germline): Uncertain significance (1 of 4 stars; one submission).

gnomAD v4.1: 13 of 1,612,438 alleles (0.00081%); highest among the groups gnomAD compares: Middle Eastern, 0.017%; no homozygotes.

Submission:

Labcorp Genetics (formerly Invitae), Labcorp
Classification: Uncertain significance. Last evaluated: 2025-01-01. Review status: criteria provided, single submitter. Criteria: Invitae Variant Classification Sherloc (09022015). Collection method: clinical testing. Allele origin: germline.
Comment: This sequence change replaces alanine, which is neutral and non-polar, with valine, which is neutral and non-polar, at codon 558 of the FGFR3 protein (p.Ala558Val). This variant is present in population databases (no rsID available, gnomAD 0.004%). This missense change has been observed in individual(s) with clinical features of FGFR3-related conditions (internal data). Invitae Evidence Modeling of protein sequence and biophysical properties (such as structural, functional, and spatial information, amino acid conservation, physicochemical variation, residue mobility, and thermodynamic stability) indicates that this missense variant is expected to disrupt FGFR3 protein function with a positive predictive value of 95%. In summary, the available evidence is currently insufficient to determine the role of this variant in disease. Therefore, it has been classified as a Variant of Uncertain Significance.

NM_000142.5(FGFR3):c.1673C>T (p.Ala558Val)

Gene: FGFR3 (fibroblast growth factor receptor 3; plus strand). Cytogenetic location: 4p16.3.
Variant type: single nucleotide variant.
Coding change: c.1673C>T on transcript NM_000142.5 (MANE Select); coding-DNA position 1673, C replaced by T.
Protein change: p.Ala558Val; replaces alanine 558 with valine.
Molecular consequence: missense variant. On other transcripts: non-coding transcript variant (1).
Genome position (GRCh38, 1-based): chr4:1,805,777, C>T. VCF-style: chr4-1805777-C-T. GRCh37 (hg19) VCF-style: chr4-1807504-C-T.
Other names: c.1679C>T, p.Ala560Val (NM_001163213.2); c.1676C>T, p.Ala559Val (NM_001354809.2, NM_001354810.2); c.1337C>T, p.Ala446Val (NM_022965.4); short protein forms A558V, A560V, A559V, A446V.
Identifiers: ClinVar variation 3631123 (VCV003631123.2).
Genomic context (GRCh38, chr4:1,805,777, plus strand): 5'-CTGGCAGCCCGTCTGAGGAGCCCGTGTCCCCAGGGCCCCTGTACGTGCTGGTGGAGTACG[C>T]GGCCAAGGGTAACCTGCGGGAGTTTCTGCGGGCGCGGCGGCCCCCGGGCCTGGACTACTC-3'
Protein context (NP_000133.1, residues 548-568): GGPLYVLVEY[Ala558Val]AKGNLREFLR